The following is an entry in ClinVar:

NM_003900.5(SQSTM1):c.763dup (p.Val255fs)

Gene: SQSTM1 (sequestosome 1; plus strand). Cytogenetic location: 5q35.3.
Variant type: Duplication.
Coding change: c.763dup on transcript NM_003900.5 (MANE Select); coding-DNA position 763, one base duplicated (G; older notation c.763dupG).
Protein change: p.Val255fs; shifts the reading frame from valine 255.
Molecular consequence: frameshift variant.
Genome position (GRCh38, 1-based): chr5:179,833,040, G duplicated. VCF-style (leftmost placement, unchanged base first): chr5-179833039-A-AG. GRCh37 (hg19) VCF-style: chr5-179260039-A-AG.
Other names: c.511dup, p.Val171fs (NM_001142298.2, NM_001142299.2); short protein forms V171fs, V255fs.
Identifiers: ClinVar variation 2948186 (VCV002948186.3), dbSNP rs2480243842, ClinGen allele CA2740094214.

ClinVar aggregate classification (germline): Pathogenic (1 of 4 stars; one submission).

Conditions:
Paget disease of bone 2, early-onset (PDB2). Also called: Paget disease of bone 2. Identifiers: MedGen C4085251, MONDO:0011183, OMIM 602080.
Frontotemporal dementia and/or amyotrophic lateral sclerosis 1 (FTDALS1). Also called: Frontotemporal dementia with motor neuron disease 1; C9orf72 Frontotemporal Dementia and/or Amyotrophic Lateral Sclerosis. Identifiers: Orphanet 275872, MedGen C5779877, MONDO:0007105, OMIM 105550.

Submission:

Labcorp Genetics (formerly Invitae), Labcorp
Classification: Pathogenic for Paget disease of bone 2, early-onset; Frontotemporal dementia and/or amyotrophic lateral sclerosis 1. Last evaluated: 2025-10-02. Review status: criteria provided, single submitter. Criteria: Invitae Variant Classification Sherloc (09022015). Collection method: clinical testing. Allele origin: germline.
Comment: This sequence change creates a premature translational stop signal (p.Val255Glyfs*2) in the SQSTM1 gene. It is expected to result in an absent or disrupted protein product. Loss-of-function variants in SQSTM1 are known to be pathogenic (PMID: 27545679, 29959261). This variant is not present in population databases (gnomAD no frequency). This variant has not been reported in the literature in individuals affected with SQSTM1-related conditions. ClinVar contains an entry for this variant (Variation ID: 2948186). For these reasons, this variant has been classified as Pathogenic.

Literature cited by the submitters: PubMed 27545679; PubMed 29959261.